The following is an entry in ClinVar:

NM_000093.5(COL5A1):c.2696G>T (p.Gly899Val)

Gene: COL5A1 (collagen type V alpha 1 chain; plus strand). Cytogenetic location: 9q34.3.
Variant type: single nucleotide variant.
Coding change: c.2696G>T on transcript NM_000093.5 (MANE Select); coding-DNA position 2696, G replaced by T.
Protein change: p.Gly899Val; replaces glycine 899 with valine.
Molecular consequence: missense variant.
Genome position (GRCh38, 1-based): chr9:134,789,204, G>T. VCF-style: chr9-134789204-G-T. GRCh37 (hg19) VCF-style: chr9-137681050-G-T.
Other names: c.2696G>T, p.Gly899Val (NM_001278074.1); short protein forms G899V.
Identifiers: ClinVar variation 1318904 (VCV001318904.5), dbSNP rs759338898, ClinGen allele CA5319524.

ClinVar aggregate classification (germline): Uncertain significance. Review status: criteria provided, multiple submitters, no conflicts (2 of 4 stars). 2 submissions from 2 submitters: Uncertain significance (2). Last evaluated 2023-12-05.

Conditions:
Ehlers-Danlos syndrome, classic type, 1 (EDSCL1). Also called: EHLERS-DANLOS SYNDROME, GRAVIS TYPE; EHLERS-DANLOS SYNDROME, SEVERE CLASSIC TYPE; Ehlers-Danlos syndrome, type 1; EDS I; Ehlers-Danlos Syndrome, Classic Type, COL5A1-Related. Identifiers: MedGen C0268335, MONDO:0019567, OMIM 130000.

Allele frequency attached by ClinVar (database versions not stated): gnomAD 0.00001; ExAC 0.00002; gnomAD exomes below 0.00001; TOPMed 0.00002.
gnomAD v4.1: 8 of 1,612,588 alleles (0.0005%); highest among the groups gnomAD compares: Admixed American, 0.01%; no homozygotes.

Submissions (2):

Labcorp Genetics (formerly Invitae), Labcorp
Classification: Uncertain significance for Ehlers-Danlos syndrome, classic type, 1. Last evaluated: 2023-12-05. Review status: criteria provided, single submitter. Criteria: Invitae Variant Classification Sherloc (09022015). Collection method: clinical testing. Allele origin: germline.
Comment: This sequence change replaces glycine, which is neutral and non-polar, with valine, which is neutral and non-polar, at codon 899 of the COL5A1 protein (p.Gly899Val). The frequency data for this variant in the population databases is considered unreliable, as metrics indicate poor data quality at this position in the gnomAD database. This variant has not been reported in the literature in individuals affected with COL5A1-related conditions. ClinVar contains an entry for this variant (Variation ID: 1318904). Advanced modeling of protein sequence and biophysical properties (such as structural, functional, and spatial information, amino acid conservation, physicochemical variation, residue mobility, and thermodynamic stability) performed at Invitae indicates that this missense variant is not expected to disrupt COL5A1 protein function with a negative predictive value of 95%. In summary, the available evidence is currently insufficient to determine the role of this variant in disease. Therefore, it has been classified as a Variant of Uncertain Significance.

GeneDx
Classification: Uncertain significance. Last evaluated: 2020-01-23. Review status: criteria provided, single submitter. Criteria: GeneDx Variant Classification Process June 2021. Collection method: clinical testing. Allele origin: germline. Affected: yes.
Comment: Has not been previously published as pathogenic or benign to our knowledge; Not observed at a significant frequency in large population cohorts (Lek et al., 2016); In silico analysis, which includes protein predictors and evolutionary conservation, supports that this variant does not alter protein structure/function; Occurs in the triple helical domain at the X position in the canonical Gly-X-Y repeat; although this variant may have an effect on normal protein folding and function, missense substitution at the X position is not a common mechanism of disease (Symoens et al., 2012; Stenson et al., 2014)